The following is an entry in ClinVar:

NM_022167.4(XYLT2):c.461C>T (p.Thr154Met)

Gene: XYLT2 (xylosyltransferase 2; plus strand). Cytogenetic location: 17q21.33.
Variant type: single nucleotide variant.
Coding change: c.461C>T on transcript NM_022167.4 (MANE Select); coding-DNA position 461, C replaced by T.
Protein change: p.Thr154Met; replaces threonine 154 with methionine.
Molecular consequence: missense variant.
Genome position (GRCh38, 1-based): chr17:50,353,955, C>T. VCF-style: chr17-50353955-C-T. GRCh37 (hg19) VCF-style: chr17-48431316-C-T.
Other names: short protein forms T154M.
Identifiers: ClinVar variation 3191382 (VCV003191382.2), dbSNP rs139789956, ClinGen allele CA8646170.

ClinVar aggregate classification (germline): Uncertain significance. Review status: criteria provided, multiple submitters, no conflicts (2 of 4 stars). 2 submissions from 2 submitters: Uncertain significance (2). Last evaluated 2025-04-09.

Conditions:
Inborn genetic diseases. Identifiers: MedGen C0950123, MeSH D030342.

Allele frequency attached by ClinVar (database versions not stated): ExAC 0.00006; gnomAD 0.00004; TOPMed 0.00006; gnomAD exomes 0.00002; ESP Exome Variant Server 0.00008.
gnomAD v4.1: 44 of 1,606,500 alleles (0.0027%); highest among the groups gnomAD compares: Admixed American, 0.012%; no homozygotes.

Submissions (2):

Labcorp Genetics (formerly Invitae), Labcorp
Classification: Uncertain significance. Last evaluated: 2025-04-09. Review status: criteria provided, single submitter. Criteria: Invitae Variant Classification Sherloc (09022015). Collection method: clinical testing. Allele origin: germline.
Comment: This sequence change replaces threonine, which is neutral and polar, with methionine, which is neutral and non-polar, at codon 154 of the XYLT2 protein (p.Thr154Met). This variant is present in population databases (rs139789956, gnomAD 0.02%). This variant has not been reported in the literature in individuals affected with XYLT2-related conditions. ClinVar contains an entry for this variant (Variation ID: 3191382). Invitae Evidence Modeling of protein sequence and biophysical properties (such as structural, functional, and spatial information, amino acid conservation, physicochemical variation, residue mobility, and thermodynamic stability) indicates that this missense variant is not expected to disrupt XYLT2 protein function with a negative predictive value of 80%. In summary, the available evidence is currently insufficient to determine the role of this variant in disease. Therefore, it has been classified as a Variant of Uncertain Significance.

Ambry Genetics
Classification: Uncertain significance for Inborn genetic diseases. Last evaluated: 2023-12-12. Review status: criteria provided, single submitter. Criteria: Ambry Variant Classification Scheme 2023. Collection method: clinical testing. Allele origin: germline.